The following is an entry in ClinVar:

NM_177438.3(DICER1):c.3629C>G (p.Pro1210Arg)

Gene: DICER1 (dicer 1, ribonuclease III; minus strand). Cytogenetic location: 14q32.13.
Variant type: single nucleotide variant.
Coding change: c.3629C>G on transcript NM_177438.3 (MANE Select); coding-DNA position 3629, C replaced by G.
Protein change: p.Pro1210Arg; replaces proline 1210 with arginine.
Molecular consequence: missense variant.
Genome position (GRCh38, 1-based): chr14:95,103,767, G>C on the plus strand (C>G on the coding strand, the complement: DICER1 is on the minus strand). VCF-style: chr14-95103767-G-C. GRCh37 (hg19) VCF-style: chr14-95570104-G-C.
Other names: c.3629C>G, p.Pro1210Arg (NM_001195573.1, NM_001271282.3, NM_001291628.2 and 1 more transcripts); short protein forms P1210R.
Identifiers: ClinVar variation 662927 (VCV000662927.13), dbSNP rs1595365709, ClinGen allele CA390874609.

ClinVar aggregate classification (germline): Uncertain significance. Review status: criteria provided, multiple submitters, no conflicts (2 of 4 stars). 2 submissions from 2 submitters: Uncertain significance (2). Last evaluated 2025-01-02.

Conditions:
Hereditary cancer-predisposing syndrome. Also called: Neoplastic Syndromes, Hereditary; Hereditary neoplastic syndrome; Tumor predisposition; Hereditary Cancer Syndrome. Identifiers: Orphanet 140162, MedGen C0027672, MeSH D009386, MONDO:0015356.
DICER1-related tumor predisposition. Also called: DICER1 syndrome; DICER1-related pleuropulmonary blastoma cancer predisposition syndrome. Identifiers: Orphanet 284343, MedGen C3839822, MONDO:0100216.

Allele frequency attached by ClinVar (database versions not stated): gnomAD below 0.00001 and 0.00001; gnomAD exomes below 0.00001.
gnomAD v4.1: 2 of 1,613,992 alleles (0.00012%); highest among the groups gnomAD compares: South Asian, 0.0022%; no homozygotes.

Submissions (2):

Ambry Genetics
Classification: Uncertain significance for Hereditary cancer-predisposing syndrome. Last evaluated: 2025-01-02. Review status: criteria provided, single submitter. Criteria: Ambry Variant Classification Scheme 2023. Collection method: clinical testing. Allele origin: germline.
Comment: The p.P1210R variant (also known as c.3629C>G), located in coding exon 20 of the DICER1 gene, results from a C to G substitution at nucleotide position 3629. The proline at codon 1210 is replaced by arginine, an amino acid with dissimilar properties. This amino acid position is well conserved in available vertebrate species. In addition, this alteration is predicted to be deleterious by in silico analysis. Based on the available evidence, the clinical significance of this variant remains unclear.

Labcorp Genetics (formerly Invitae), Labcorp
Classification: Uncertain significance for DICER1-related tumor predisposition. Last evaluated: 2019-05-20. Review status: criteria provided, single submitter. Criteria: Invitae Variant Classification Sherloc (09022015). Collection method: clinical testing. Allele origin: germline.
Comment: Algorithms developed to predict the effect of missense changes on protein structure and function (SIFT, PolyPhen-2, Align-GVGD) all suggest that this variant is likely to be tolerated, but these predictions have not been confirmed by published functional studies and their clinical significance is uncertain. This variant has not been reported in the literature in individuals with DICER1-related disease. This variant is not present in population databases (ExAC no frequency). This sequence change replaces proline with arginine at codon 1210 of the DICER1 protein (p.Pro1210Arg). The proline residue is moderately conserved and there is a moderate physicochemical difference between proline and arginine. In summary, the available evidence is currently insufficient to determine the role of this variant in disease. Therefore, it has been classified as a Variant of Uncertain Significance.